The following is an entry in ClinVar:

NM_004656.4(BAP1):c.55G>T (p.Val19Leu)

Gene: BAP1 (BRCA1 associated deubiquitinase 1; minus strand). Cytogenetic location: 3p21.1.
Variant type: single nucleotide variant.
Coding change: c.55G>T on transcript NM_004656.4 (MANE Select); coding-DNA position 55, G replaced by T.
Protein change: p.Val19Leu; replaces valine 19 with leucine.
Molecular consequence: missense variant.
Genome position (GRCh38, 1-based): chr3:52,409,726, C>A on the plus strand (G>T on the coding strand, the complement: BAP1 is on the minus strand). VCF-style: chr3-52409726-C-A. GRCh37 (hg19) VCF-style: chr3-52443742-C-A.
Other names: c.55G>T (NM_004656.2); short protein forms V19L.
Identifiers: ClinVar variation 1493232 (VCV001493232.9), dbSNP rs745359087, ClinGen allele CA2437231.

ClinVar aggregate classification (germline): Uncertain significance. Review status: criteria provided, multiple submitters, no conflicts (2 of 4 stars). 2 submissions from 2 submitters: Uncertain significance (2). Last evaluated 2025-06-04.

Conditions:
Hereditary cancer-predisposing syndrome. Also called: Tumor predisposition; Hereditary neoplastic syndrome; Neoplastic Syndromes, Hereditary; Hereditary Cancer Syndrome. Identifiers: Orphanet 140162, MedGen C0027672, MeSH D009386, MONDO:0015356.
BAP1-related tumor predisposition syndrome (TPDS1). Also called: Tumor susceptibility linked to germline BAP1 mutations; COMMON Syndrome; TUMOR PREDISPOSITION SYNDROME 1; BAP1 tumor predisposition syndrome. Identifiers: Orphanet 289539, MedGen C3280492, MONDO:0013692, OMIM 614327.

Allele frequency attached by ClinVar (database versions not stated): gnomAD exomes below 0.00001; ExAC 0.00001.

Submissions (2):

Labcorp Genetics (formerly Invitae), Labcorp
Classification: Uncertain significance for BAP1-related tumor predisposition syndrome. Last evaluated: 2025-06-04. Review status: criteria provided, single submitter. Criteria: Invitae Variant Classification Sherloc (09022015). Collection method: clinical testing. Allele origin: germline.
Comment: This sequence change replaces valine, which is neutral and non-polar, with leucine, which is neutral and non-polar, at codon 19 of the BAP1 protein (p.Val19Leu). This variant is not present in population databases (gnomAD no frequency). This variant has not been reported in the literature in individuals affected with BAP1-related conditions. ClinVar contains an entry for this variant (Variation ID: 1493232). Invitae Evidence Modeling of protein sequence and biophysical properties (such as structural, functional, and spatial information, amino acid conservation, physicochemical variation, residue mobility, and thermodynamic stability) indicates that this missense variant is not expected to disrupt BAP1 protein function with a negative predictive value of 80%. In summary, the available evidence is currently insufficient to determine the role of this variant in disease. Therefore, it has been classified as a Variant of Uncertain Significance.

Ambry Genetics
Classification: Uncertain significance for Hereditary cancer-predisposing syndrome. Last evaluated: 2024-12-07. Review status: criteria provided, single submitter. Criteria: Ambry Variant Classification Scheme 2023. Collection method: clinical testing. Allele origin: germline.
Comment: The p.V19L variant (also known as c.55G>T), located in coding exon 2 of the BAP1 gene, results from a G to T substitution at nucleotide position 55. The valine at codon 19 is replaced by leucine, an amino acid with highly similar properties. This amino acid position is conserved. In addition, the in silico prediction for this alteration is inconclusive. Based on the available evidence, the clinical significance of this variant remains unclear.